The following is an entry in ClinVar:

NM_017827.4(SARS2):c.1404C>A (p.Asn468Lys)

Gene: SARS2 (seryl-tRNA synthetase 2, mitochondrial; minus strand). Cytogenetic location: 19q13.2.
Variant type: single nucleotide variant.
Coding change: c.1404C>A on transcript NM_017827.4 (MANE Select); coding-DNA position 1404, C replaced by A.
Protein change: p.Asn468Lys; replaces asparagine 468 with lysine.
Molecular consequence: missense variant.
Genome position (GRCh38, 1-based): chr19:38,915,850, G>T on the plus strand (C>A on the coding strand, the complement: SARS2 is on the minus strand). VCF-style: chr19-38915850-G-T. GRCh37 (hg19) VCF-style: chr19-39406490-G-T.
Other names: c.1410C>A, p.Asn470Lys (NM_001145901.2); short protein forms N468K, N470K.
Identifiers: ClinVar variation 894085 (VCV000894085.9), dbSNP rs369183237, ClinGen allele CA9422730.

ClinVar aggregate classification (germline): Uncertain significance. Review status: criteria provided, multiple submitters, no conflicts (2 of 4 stars). 3 submissions from 3 submitters: Uncertain significance (3). Last evaluated 2023-08-07.

Conditions:
Hyperuricemia, pulmonary hypertension, renal failure, alkalosis syndrome (HUPRAS). Also called: HYPERURICEMIA, PULMONARY HYPERTENSION, RENAL FAILURE, AND ALKALOSIS SYNDROME; HUPRA SYNDROME. Identifiers: Orphanet 363694, MedGen C3151209, MONDO:0013458, OMIM 613845.

Allele frequency attached by ClinVar (database versions not stated): ExAC 0.00005; gnomAD exomes 0.00005 and 0.00007; ESP Exome Variant Server 0.00008; TOPMed 0.00012; gnomAD 0.00013.
gnomAD v4.1: 92 of 1,613,678 alleles (0.0057%); highest among the groups gnomAD compares: Admixed American, 0.032%; no homozygotes.

Submissions (3):

Labcorp Genetics (formerly Invitae), Labcorp
Classification: Uncertain significance. Last evaluated: 2023-08-07. Review status: criteria provided, single submitter. Criteria: Invitae Variant Classification Sherloc (09022015). Collection method: clinical testing. Allele origin: germline.
Comment: This sequence change replaces asparagine, which is neutral and polar, with lysine, which is basic and polar, at codon 468 of the SARS2 protein (p.Asn468Lys). This variant is present in population databases (rs369183237, gnomAD 0.02%). This variant has not been reported in the literature in individuals affected with SARS2-related conditions. ClinVar contains an entry for this variant (Variation ID: 894085). An algorithm developed to predict the effect of missense changes on protein structure and function (PolyPhen-2) suggests that this variant is likely to be tolerated. In summary, the available evidence is currently insufficient to determine the role of this variant in disease. Therefore, it has been classified as a Variant of Uncertain Significance.

Fulgent Genetics
Classification: Uncertain significance for Hyperuricemia, pulmonary hypertension, renal failure, alkalosis syndrome. Last evaluated: 2022-01-12. Review status: criteria provided, single submitter. Criteria: ACMG Guidelines, 2015. Collection method: clinical testing. Allele origin: unknown.

Illumina Laboratory Services, Illumina
Classification: Uncertain significance for Hyperuricemia, pulmonary hypertension, renal failure, alkalosis syndrome. Last evaluated: 2018-01-13. Review status: criteria provided, single submitter. Criteria: ICSL Variant Classification Criteria 13 December 2019. Collection method: clinical testing. Allele origin: germline.